The following is an entry in ClinVar:

ClinVar aggregate classification (germline): Uncertain significance. Review status: criteria provided, multiple submitters, no conflicts (2 of 4 stars). 2 submissions from 2 submitters: Uncertain significance (2). Last evaluated 2024-11-11.

Allele frequency attached by ClinVar (database versions not stated): TOPMed 0.00001.
gnomAD v4.1: 81 of 1,613,842 alleles (0.005%); highest among the groups gnomAD compares: Non-Finnish European, 0.0068%; no homozygotes.

Submissions (2):

Labcorp Genetics (formerly Invitae), Labcorp
Classification: Uncertain significance. Last evaluated: 2024-11-11. Review status: criteria provided, single submitter. Criteria: Invitae Variant Classification Sherloc (09022015). Collection method: clinical testing. Allele origin: germline.
Comment: This sequence change replaces alanine, which is neutral and non-polar, with glutamic acid, which is acidic and polar, at codon 621 of the CNGA3 protein (p.Ala621Glu). This variant is present in population databases (no rsID available, gnomAD 0.003%). This missense change has been observed in individual(s) with clinical features of achromatopsia (PMID: 17265047). ClinVar contains an entry for this variant (Variation ID: 1017118). Invitae Evidence Modeling of protein sequence and biophysical properties (such as structural, functional, and spatial information, amino acid conservation, physicochemical variation, residue mobility, and thermodynamic stability) indicates that this missense variant is not expected to disrupt CNGA3 protein function with a negative predictive value of 95%. In summary, the available evidence is currently insufficient to determine the role of this variant in disease. Therefore, it has been classified as a Variant of Uncertain Significance.

Blueprint Genetics
Classification: Uncertain significance. Last evaluated: 2024-04-15. Review status: criteria provided, single submitter. Criteria: ACMG Guidelines, 2015. Collection method: clinical testing. Allele origin: germline.

Literature cited by the submitters: PubMed 17265047 (cited by Labcorp Genetics (formerly Invitae), Labcorp).

NM_001298.3(CNGA3):c.1862C>A (p.Ala621Glu)

Gene: CNGA3 (cyclic nucleotide gated channel subunit alpha 3; plus strand). Cytogenetic location: 2q11.2.
Variant type: single nucleotide variant.
Coding change: c.1862C>A on transcript NM_001298.3 (MANE Select); coding-DNA position 1862, C replaced by A.
Protein change: p.Ala621Glu; replaces alanine 621 with glutamic acid.
Molecular consequence: missense variant.
Genome position (GRCh38, 1-based): chr2:98,397,032, C>A. VCF-style: chr2-98397032-C-A. GRCh37 (hg19) VCF-style: chr2-99013495-C-A.
Other names: c.1808C>A, p.Ala603Glu (NM_001079878.2); short protein forms A603E, A621E.
Identifiers: ClinVar variation 1017118 (VCV001017118.9), dbSNP rs200819699, ClinGen allele CA347834454.